The following is an entry in ClinVar:

NM_003001.5(SDHC):c.20+6T>G

Gene: SDHC (succinate dehydrogenase complex subunit C; plus strand). Cytogenetic location: 1q23.3.
Variant type: single nucleotide variant.
Coding change: c.20+6T>G on transcript NM_003001.5 (MANE Select); 6 bases into the intron after coding-DNA position 20, T replaced by G.
Molecular consequence: intron variant. On other transcripts: 5 prime UTR variant (1).
Genome position (GRCh38, 1-based): chr1:161,314,431, T>G. VCF-style: chr1-161314431-T-G. GRCh37 (hg19) VCF-style: chr1-161284221-T-G.
Other names: c.-535T>G (NM_001407119.1); c.-210+6T>G (NM_001407120.1); c.20+6T>G (NM_001407115.1, NM_001035511.3, NM_001035512.3 and 6 more transcripts).
Identifiers: ClinVar variation 937771 (VCV000937771.13), dbSNP rs1013252106, ClinGen allele CA31675372.
Genomic context (GRCh38, chr1:161,314,431, plus strand): 5'-GCCTGGCGTCACTTCCGTCCAGACCGGAACCCAAGATGGCTGCGCTGTTGCTGAGGTGAC[T>G]TCAGTGGGACTGGGAGTTGGTGCCTGCGGCCCTCCGGAGATCTGAACTGGCCCCTCACGT-3'

ClinVar aggregate classification (germline): Uncertain significance. Review status: criteria provided, multiple submitters, no conflicts (2 of 4 stars). 3 submissions from 3 submitters: Uncertain significance (3). Last evaluated 2025-09-10.

Conditions:
Gastrointestinal stromal tumor. Also called: Gastrointestinal stromal tumor, somatic; Gastrointestinal stroma tumor. Identifiers: Orphanet 44890, MedGen C0238198, MeSH D046152, MONDO:0011719, OMIM 606764, HP:0100723.
Hereditary pheochromocytoma and paraganglioma. Also called: Hereditary pheochromocytoma-paraganglioma; Hereditary Paraganglioma-Pheochromocytoma Syndromes; Hereditary paragangliomas and pheochromocytomas. Identifiers: Orphanet 29072, MedGen C4274332, MONDO:0017366.
Pheochromocytoma/paraganglioma syndrome 3. Also called: GLOMUS TUMORS, FAMILIAL, 3; SDHC-Related Hereditary Paraganglioma-Pheochromocytoma Syndrome; Paragangliomas 3; SDHC-Related Hereditary Paraganglioma-Pheochromocytoma Syndrome (Paragangliomas 3). Identifiers: Orphanet 29072, MedGen C1854336, MONDO:0011544, OMIM 605373.

Allele frequency attached by ClinVar (database versions not stated): gnomAD exomes below 0.00001 and 0.00001; TOPMed below 0.00001.

Submissions (3):

Labcorp Genetics (formerly Invitae), Labcorp
Classification: Uncertain significance for Pheochromocytoma/paraganglioma syndrome 3; Gastrointestinal stromal tumor. Last evaluated: 2025-09-10. Review status: criteria provided, single submitter. Criteria: Invitae Variant Classification Sherloc (09022015). Collection method: clinical testing. Allele origin: germline.
Comment: This sequence change falls in intron 1 of the SDHC gene. It does not directly change the encoded amino acid sequence of the SDHC protein. It affects a nucleotide within the consensus splice site. This variant is present in population databases (no rsID available, gnomAD 0.0009%). This variant has not been reported in the literature in individuals affected with SDHC-related conditions. ClinVar contains an entry for this variant (Variation ID: 937771). Variants that disrupt the consensus splice site are a relatively common cause of aberrant splicing (PMID: 17576681, 9536098). RNA analysis provides insufficient evidence to determine the effect of this variant on SDHC splicing (internal data). In summary, the available evidence is currently insufficient to determine the role of this variant in disease. Therefore, it has been classified as a Variant of Uncertain Significance.

All of Us Research Program, National Institutes of Health
Classification: Uncertain significance for Hereditary pheochromocytoma and paraganglioma. Last evaluated: 2023-10-30. Review status: criteria provided, single submitter. Criteria: ACMG Guidelines, 2015. Collection method: clinical testing. Allele origin: germline. Inheritance: Autosomal dominant inheritance. Observed: 3 variant alleles, 3 heterozygotes.
Comment: This variant causes a T to G nucleotide substitution at the +6 position of intron 1 of the SDHC gene. Splice site prediction tools suggest that this variant may not impact RNA splicing. To our knowledge, functional studies have not been reported for this variant. This variant has not been reported in individuals affected with SDHC-related disorders in the literature. This variant has been identified in 1/247548 chromosomes in the general population by the Genome Aggregation Database (gnomAD). The available evidence is insufficient to determine the role of this variant in disease conclusively. Therefore, this variant is classified as a Variant of Uncertain Significance.

This study involves interpretation of variants in research participants for the purpose of population health screening. Participant phenotype was not available at the time of variant classification. Additional details can be found in publication PMID: 35346344, PMCID: PMC8962531

Baylor Genetics
Classification: Uncertain significance for Gastrointestinal stromal tumor. Last evaluated: 2022-06-29. Review status: criteria provided, single submitter. Criteria: ACMG Guidelines, 2015. Collection method: clinical testing. Allele origin: unknown.

Literature cited by the submitters: PubMed 17576681 (cited by Labcorp Genetics (formerly Invitae), Labcorp); PubMed 9536098 (cited by Labcorp Genetics (formerly Invitae), Labcorp).